The following is an entry in ClinVar:

NM_000458.4(HNF1B):c.662A>T (p.Asp221Val)

Genes: HNF1B (HNF1 homeobox B; minus strand), LOC126862549 (BRD4-independent group 4 enhancer GRCh37_chr17:36093401-36094600; plus strand). Cytogenetic location: 17q12.
Variant type: single nucleotide variant.
Coding change: c.662A>T on transcript NM_000458.4 (MANE Select); coding-DNA position 662, A replaced by T.
Protein change: p.Asp221Val; replaces aspartic acid 221 with valine.
Molecular consequence: missense variant.
Genome position (GRCh38, 1-based): chr17:37,733,704, T>A on the plus strand (A>T on the coding strand, the complement: HNF1B is on the minus strand). VCF-style: chr17-37733704-T-A. GRCh37 (hg19) VCF-style: chr17-36093697-T-A.
Other names: NM_000458.4:c.662A>T; p.D221V; c.584A>T, p.Asp195Val (NM_001165923.4, NM_001304286.2); short protein forms D221V, D195V.
Identifiers: ClinVar variation 635666 (VCV000635666.12), dbSNP rs755263300, ClinGen allele CA8519030.
Genomic context (GRCh38, chr17:37,733,704, plus strand): 5'-GCGGGCCCCCATTTGAACCGGTTGCGGCGCATCTTCTTGTTGGTGGGCTCAGAGCAGGCA[T>A]CATCGGACTGCCCAGGCCCATGGCTCTGTTGACTGAACTCTGGAAAGAGAAACAGCAGCT-3'
Protein context (NP_000449.1, residues 211-231): QQSHGPGQSD[Asp221Val]ACSEPTNKKM

ClinVar aggregate classification (germline): Conflicting classifications of pathogenicity. Review status: criteria provided, conflicting classifications (1 of 4 stars). 5 submissions from 5 submitters: Pathogenic (1); Uncertain significance (3); Benign (1). Last evaluated 2025-07-23.

Conditions:
Renal cysts and diabetes syndrome (RCAD). Also called: Familial hypoplastic, glomerulocystic kidney; MATURITY-ONSET DIABETES OF THE YOUNG, TYPE 5. Identifiers: Orphanet 93111, MedGen C0431693, MONDO:0007669, OMIM 137920.
Type 2 diabetes mellitus. Also called: Type II diabetes mellitus. Identifiers: MedGen C0011860, MeSH D003924, MONDO:0005148, OMIM 125853, HP:0005978.
Nonpapillary renal cell carcinoma. Identifiers: Orphanet 422526, MedGen CN074294, MONDO:0007763, OMIM 144700.
Maturity-onset diabetes of the young (MODY). Also called: Maturity onset diabetes mellitus in young. Identifiers: Orphanet 552, MedGen C0342276, MONDO:0018911, HP:0004904.

Allele frequency attached by ClinVar (database versions not stated): ExAC 0.00001.
gnomAD v4.1: 6 of 1,614,028 alleles (0.00037%); highest among the groups gnomAD compares: East Asian, 0.013%; no homozygotes.

Submissions (5):

Department of Pediatric Nephrology, Wuhan Children's Hospital
Classification: Pathogenic for Renal cysts and diabetes syndrome. Last evaluated: 2025-07-23. Review status: criteria provided, single submitter. Criteria: ACMG Guidelines, 2015. Collection method: clinical testing. Allele origin: paternal. Affected: yes.

Labcorp Genetics (formerly Invitae), Labcorp
Classification: Uncertain significance. Last evaluated: 2021-06-21. Review status: criteria provided, single submitter. Criteria: Invitae Variant Classification Sherloc (09022015). Collection method: clinical testing. Allele origin: germline.
Comment: In summary, the available evidence is currently insufficient to determine the role of this variant in disease. Therefore, it has been classified as a Variant of Uncertain Significance. Algorithms developed to predict the effect of missense changes on protein structure and function (SIFT, PolyPhen-2, Align-GVGD) all suggest that this variant is likely to be disruptive, but these predictions have not been confirmed by published functional studies and their clinical significance is uncertain. This variant has been observed in individual(s) with clinical features of HNF1B-related conditions (PMID: 22051731). ClinVar contains an entry for this variant (Variation ID: 635666). This variant is present in population databases (rs755263300, ExAC 0.01%). This sequence change replaces aspartic acid with valine at codon 221 of the HNF1B protein (p.Asp221Val). The aspartic acid residue is highly conserved and there is a large physicochemical difference between aspartic acid and valine.

Broad Center for Mendelian Genomics, Broad Institute of MIT and Harvard
Classification: Benign for Maturity-onset diabetes of the young. Last evaluated: 2020-01-22. Review status: criteria provided, single submitter. Criteria: ACMG Guidelines, 2015. Collection method: curation. Allele origin: germline. Inheritance: Autosomal dominant inheritance.
Comment: The p.Asp221Val variant in HNF1B has not been previously reported in individuals with MODY but has been identified in 0.03% (6/19950) of East Asian chromosomes by the Genome Aggregation Database (gnomAD; dbSNP rs755263300). This variant has been seen in the general population at a frequency high enough to rule out a pathogenic role. Computational prediction tools and conservation analyses do not provide strong support for or against an impact to the protein. In summary, this variant meets criteria to be classified as benign for MODY in an autosomal dominant manner based on the frequency in the general population. ACMG/AMP Criteria applied: BA1 (Richards 2015).

Institute of Human Genetics, FAU Erlangen, Friedrich-Alexander-Universität Erlangen-Nürnberg
Classification: Uncertain significance for Renal cysts and diabetes syndrome. Last evaluated: 2019-07-06. Review status: criteria provided, single submitter. Criteria: ACMG Guidelines, 2015. Collection method: literature only. Allele origin: germline. Affected: yes.
Comment: This variant and it's classification has been reported by Vasileiou et al. 2019; DOI:10.1101/576918. The variants has previously been reported in PMID:25700310; PMID:15660195; PMID:25536396 as "c.662A>T; c.662A>T" with clinical significance Pathogenic. It has been re-classified using InterVar and manual curation as Uncertain significance based on PP3.

Juno Genomics, Hangzhou Juno Genomics, Inc
Classification: Uncertain significance for Type 2 diabetes mellitus; Nonpapillary renal cell carcinoma; Renal cysts and diabetes syndrome. Review status: criteria provided, single submitter. Criteria: ACMG Guidelines, 2015. Collection method: clinical testing. Allele origin: germline.
Comment: Absent from controls (or at extremely low frequency if recessive) in Genome Aggregation Database.;Multiple lines of computational evidence support a deleterious effect on the gene or gene product.

Literature cited by the submitters: PubMed 22051731 (cited by Labcorp Genetics (formerly Invitae), Labcorp); PubMed 25700310 (cited by Institute of Human Genetics, FAU Erlangen, Friedrich-Alexander-Universität Erlangen-Nürnberg); PubMed 15660195 (cited by Institute of Human Genetics, FAU Erlangen, Friedrich-Alexander-Universität Erlangen-Nürnberg); PubMed 25536396 (cited by Institute of Human Genetics, FAU Erlangen, Friedrich-Alexander-Universität Erlangen-Nürnberg); DOI 10.1101/576918 (cited by Institute of Human Genetics, FAU Erlangen, Friedrich-Alexander-Universität Erlangen-Nürnberg).